The following is an entry in ClinVar:

ClinVar aggregate classification (germline): Conflicting classifications of pathogenicity. Review status: criteria provided, conflicting classifications (1 of 4 stars). 7 submissions from 7 submitters: Uncertain significance (6); Likely benign (1). Last evaluated 2025-12-27.

Conditions:
Hereditary nonpolyposis colorectal neoplasms. Identifiers: MedGen C0009405, MeSH D003123.
Hereditary cancer-predisposing syndrome. Also called: Hereditary neoplastic syndrome; Hereditary Cancer Syndrome; Neoplastic Syndromes, Hereditary; Tumor predisposition. Identifiers: Orphanet 140162, MedGen C0027672, MeSH D009386, MONDO:0015356.
Lynch syndrome. Identifiers: Orphanet 144, MedGen C4552100, MONDO:0005835. Disease mechanism: loss of function.
Endometrial carcinoma. Also called: Endometrial carcinoma, somatic. Identifiers: MedGen C0476089, MONDO:0002447, OMIM 608089, HP:0012114.

Allele frequency attached by ClinVar (database versions not stated): gnomAD exomes below 0.00001 and 0.00001; ExAC 0.00002.
gnomAD v4.1: 2 of 1,614,158 alleles (0.00012%); highest among the groups gnomAD compares: Admixed American, 0.0033%; no homozygotes.

Submissions (7):

Labcorp Genetics (formerly Invitae), Labcorp
Classification: Likely benign for Hereditary nonpolyposis colorectal neoplasms. Last evaluated: 2025-12-27. Review status: criteria provided, single submitter. Criteria: Invitae Variant Classification Sherloc (09022015). Collection method: clinical testing. Allele origin: germline.

All of Us Research Program, National Institutes of Health
Classification: Uncertain significance for Lynch syndrome. Last evaluated: 2024-05-14. Review status: criteria provided, single submitter. Criteria: ACMG Guidelines, 2015. Collection method: clinical testing. Allele origin: germline. Inheritance: Autosomal dominant inheritance. Observed: 1 variant allele, 1 heterozygote.
Comment: This missense variant replaces threonine with serine at codon 924 of the MSH6 protein. Computational prediction suggests that this variant may not impact protein structure and function (internally defined REVEL score threshold <= 0.5, PMID: 27666373). To our knowledge, functional studies have not been reported for this variant. This variant has not been reported in individuals affected with MSH6-related disorders in the literature. This variant has been identified in 3/251000 chromosomes in the general population by the Genome Aggregation Database (gnomAD). The available evidence is insufficient to determine the role of this variant in disease conclusively. Therefore, this variant is classified as a Variant of Uncertain Significance.

This study involves interpretation of variants in research participants for the purpose of population health screening. Participant phenotype was not available at the time of variant classification. Additional details can be found in publication PMID: 35346344, PMCID: PMC8962531

Color Diagnostics, LLC DBA Color Health
Classification: Uncertain significance for Hereditary cancer-predisposing syndrome. Last evaluated: 2024-04-18. Review status: criteria provided, single submitter. Criteria: ACMG Guidelines, 2015. Collection method: clinical testing. Allele origin: germline.
Comment: This missense variant replaces threonine with serine at codon 924 of the MSH6 protein. Computational prediction suggests that this variant may not impact protein structure and function (internally defined REVEL score threshold <= 0.5, PMID: 27666373). To our knowledge, functional studies have not been reported for this variant. This variant has not been reported in individuals affected with MSH6-related disorders in the literature. This variant has been identified in 3/251000 chromosomes in the general population by the Genome Aggregation Database (gnomAD). The available evidence is insufficient to determine the role of this variant in disease conclusively. Therefore, this variant is classified as a Variant of Uncertain Significance.

Ambry Genetics
Classification: Uncertain significance for Hereditary cancer-predisposing syndrome. Last evaluated: 2024-01-10. Review status: criteria provided, single submitter. Criteria: Ambry Variant Classification Scheme 2023. Collection method: clinical testing. Allele origin: germline.
Comment: The p.T924S variant (also known as c.2770A>T), located in coding exon 4 of the MSH6 gene, results from an A to T substitution at nucleotide position 2770. The threonine at codon 924 is replaced by serine, an amino acid with similar properties. This amino acid position is highly conserved in available vertebrate species. In addition, the in silico prediction for this alteration is inconclusive. Since supporting evidence is limited at this time, the clinical significance of this alteration remains unclear.

Baylor Genetics
Classification: Uncertain significance for Endometrial carcinoma. Last evaluated: 2023-09-18. Review status: criteria provided, single submitter. Criteria: ACMG Guidelines, 2015. Collection method: clinical testing. Allele origin: unknown.

Quest Diagnostics Nichols Institute San Juan Capistrano
Classification: Uncertain significance. Last evaluated: 2022-11-25. Review status: criteria provided, single submitter. Criteria: Quest Diagnostics criteria. Collection method: clinical testing. Allele origin: unknown.
Comment: The variant has not been reported in the published literature. The frequency of this variant in the general population, 0.000087 (3/34560 chromosomes), is uninformative in assessment of its pathogenicity. Analysis of this variant using bioinformatics tools for the prediction of the effect of amino acid changes on protein structure and function yielded predictions that this variant is benign. Based on the available information, we are unable to determine the clinical significance of this variant.

GeneDx
Classification: Uncertain significance. Last evaluated: 2019-09-23. Review status: criteria provided, single submitter. Criteria: GeneDx Variant Classification Process June 2021. Collection method: clinical testing. Allele origin: germline. Affected: yes.
Comment: Not observed at a significant frequency in large population cohorts (Lek 2016); In silico analysis, which includes protein predictors and evolutionary conservation, supports that this variant does not alter protein structure/function; Has not been previously published as pathogenic or benign to our knowledge

NM_000179.3(MSH6):c.2770A>T (p.Thr924Ser)

Gene: MSH6 (mutS homolog 6; plus strand). Cytogenetic location: 2p16.3.
Variant type: single nucleotide variant.
Coding change: c.2770A>T on transcript NM_000179.3 (MANE Select); coding-DNA position 2770, A replaced by T.
Protein change: p.Thr924Ser; replaces threonine 924 with serine.
Molecular consequence: missense variant.
Genome position (GRCh38, 1-based): chr2:47,800,753, A>T. VCF-style: chr2-47800753-A-T. GRCh37 (hg19) VCF-style: chr2-48027892-A-T.
Other names: c.2380A>T, p.Thr794Ser (NM_001281492.2); c.1864A>T, p.Thr622Ser (NM_001281493.2, NM_001281494.2); short protein forms T924S, T622S, T794S.
Identifiers: ClinVar variation 229859 (VCV000229859.26), dbSNP rs758873844, ClinGen allele CA069606.